The following is an entry in ClinVar:

NC_000001.10:g.(237675092_237693726)_(237693811_237711730)dup

Gene: RYR2 (ryanodine receptor 2; plus strand). Cytogenetic location: 1q43.
Variant type: Duplication.
Identifiers: ClinVar variation 4688638 (VCV004688638.1).

ClinVar aggregate classification (germline): Uncertain significance (1 of 4 stars; one submission).

Submission:

Women's Health and Genetics/Laboratory Corporation of America, LabCorp
Classification: Uncertain significance. Last evaluated: 2025-12-02. Review status: criteria provided, single submitter. Criteria: LabCorp Variant Classification Summary - May 2015. Collection method: clinical testing. Allele origin: germline.
Comment: Variant summary: The variant involves the duplication of exon 25 in the RYR2 gene. A presumed nomenclature of c.(2822+1_2823-1)_(2906+1_2907-1)dup has been designated for the purposes of this classification. It is assumed to be a tandem duplication in direct orientation (PMIDs: 25640679, 30054569). This Copy Number Variant (CNV) is predicted to result in an in-frame duplication within this gene. The variant was absent in 21694 control chromosomes. The available data on variant occurrences in the general population are insufficient to allow any conclusion about variant significance. To our knowledge, no occurrence of c.(2822+1_2823-1)_(2906+1_2907-1)dup in individuals affected with RYR2-related conditions and no experimental evidence demonstrating its impact on protein function have been reported. No submitters have cited clinical-significance assessments for this variant to ClinVar. Based on the evidence outlined above, the variant was classified as uncertain significance.